The following is an entry in ClinVar:

ClinVar aggregate classification (germline): Uncertain significance (1 of 4 stars; one submission).

Submission:

GeneDx
Classification: Uncertain significance. Last evaluated: 2025-02-04. Review status: criteria provided, single submitter. Criteria: GeneDx Variant Classification Process June 2021. Collection method: clinical testing. Allele origin: germline.
Comment: Not observed at significant frequency in large population cohorts (gnomAD); In silico analysis supports that this missense variant has a deleterious effect on protein structure/function; Has not been previously published as pathogenic or benign to our knowledge

NM_078480.3(PUF60):c.1343G>A (p.Arg448Gln)

Gene: PUF60 (poly(U) binding splicing factor 60; minus strand). Cytogenetic location: 8q24.3.
Variant type: single nucleotide variant.
Coding change: c.1343G>A on transcript NM_078480.3 (MANE Select); coding-DNA position 1343, G replaced by A.
Protein change: p.Arg448Gln; replaces arginine 448 with glutamine.
Molecular consequence: missense variant.
Genome position (GRCh38, 1-based): chr8:143,816,947, C>T on the plus strand (G>A on the coding strand, the complement: PUF60 is on the minus strand). VCF-style: chr8-143816947-C-T. GRCh37 (hg19) VCF-style: chr8-144899117-C-T.
Other names: c.1214G>A, p.Arg405Gln (NM_001136033.3); c.1289G>A, p.Arg430Gln (NM_001271096.2); c.1205G>A, p.Arg402Gln (NM_001271097.2); c.1340G>A, p.Arg447Gln (NM_001271098.2); c.1256G>A, p.Arg419Gln (NM_001271099.2); c.1163G>A, p.Arg388Gln (NM_001271100.2); c.1454G>A, p.Arg485Gln (NM_001362895.2, NM_001362896.2); c.1403G>A, p.Arg468Gln (NM_001362897.2); and 1 more; short protein forms R388Q, R402Q, R405Q, R419Q, R430Q, R431Q, R447Q, R448Q.
Identifiers: ClinVar variation 3368081 (VCV003368081.2).